The following is an entry in ClinVar:

NM_000203.5(IDUA):c.457A>T (p.Lys153Ter)

Gene: IDUA (alpha-L-iduronidase; plus strand). Cytogenetic location: 4p16.3.
Variant type: single nucleotide variant.
Coding change: c.457A>T on transcript NM_000203.5 (MANE Select); coding-DNA position 457, A replaced by T.
Protein change: p.Lys153Ter; replaces lysine 153 with a stop codon.
Molecular consequence: nonsense. On other transcripts: non-coding transcript variant (1).
Genome position (GRCh38, 1-based): chr4:1,000,953, A>T. VCF-style: chr4-1000953-A-T. GRCh37 (hg19) VCF-style: chr4-994741-A-T.
Other names: NM_000203.5(IDUA):c.457A>T; p.Lys153Ter; c.61A>T, p.Lys21Ter (NM_001363576.1); short protein forms K21*, K153*.
Identifiers: ClinVar variation 917689 (VCV000917689.9), dbSNP rs1715035049, ClinGen allele CA355961530.

ClinVar aggregate classification (germline): Pathogenic. Review status: reviewed by expert panel (3 of 4 stars). 4 submissions from 4 submitters: Pathogenic (1). 3 of the submissions do not count toward it. Last evaluated 2025-04-21.

Conditions:
Mucopolysaccharidosis type 1. Also called: Mucopolysaccharidosis Type I; IDUA deficiency; MPS I. Identifiers: Orphanet 579, MedGen C0023786, MONDO:0001586.

Allele frequency attached by ClinVar (database versions not stated): gnomAD exomes below 0.00001.
gnomAD v4.1: 2 of 1,613,352 alleles (0.00012%); highest among the groups gnomAD compares: Admixed American, 0.0033%; no homozygotes.

Submissions (4):

ClinGen Lysosomal Storage Disorder Variant Curation Expert Panel
Classification: Pathogenic for Mucopolysaccharidosis type 1. Last evaluated: 2025-04-21. Review status: reviewed by expert panel. Criteria: ClinGen LSD ACMG Specifications IDUA V1.0.0. Collection method: curation. Allele origin: germline. Inheritance: Autosomal recessive inheritance.
Comment: The NM_000203.5:c.457A>T (p.Lys153Ter) in IDUA is a nonsense variant predicted to cause a premature stop codon in biologically-relevant-exon 4 out of 14, leading to nonsense mediated decay in a gene in which loss-of-function is an established disease mechanism (PVS1). Furthermore, SpliceAI predicts that the variant may impact splicing (score for loss of intron 3 acceptor = 0.55; score for loss of intron 4 donor = 0.42). Three individuals reported in the MPS I registry are compound heterozygous for the variant and another variant in IDUA that has been classified as pathogenic by the ClinGen LD VCEP, two with a reported severe phenotype with c.1205G>A (p.Trp402Ter) (ClinVar Variation ID: 11908), and one with an attenuated phenotype with c.1598C>G (p.Pro533Arg) (ClinVar Variation ID: 11910). The phase is unknown is all three cases (PM3, based on 3 x 0.5 points). The highest population minor allele frequency in gnomAD v4.1.0 is 0.00003332 (2/60024 alleles) in the Admixed American population, which is lower than the ClinGen Lysosomal Diseases VCEP’s threshold for PM2_Supporting (<0.00025), meeting this criterion (PM2_Supporting). In summary, this variant meets the criteria to be classified as pathogenic for mucopolysaccharidosis type I. IDUA-specific ACMG/AMP criteria applied, as specified by the ClinGen LD VCEP (Specifications Version 1.0.0.): PVS1, PM3, PM2_Supporting (Classification approved by the ClinGen Lysosomal Diseases Variant Curation Expert Panel on April 21, 2025).

Women's Health and Genetics/Laboratory Corporation of America, LabCorp
Classification: Pathogenic for Mucopolysaccharidosis type 1. Last evaluated: 2025-12-16. Review status: criteria provided, single submitter. Criteria: LabCorp Variant Classification Summary - May 2015. Collection method: clinical testing. Allele origin: germline. Not counted in ClinVar's aggregate classification.
Comment: Variant summary: IDUA c.457A>T (p.Lys153X) results in a premature termination codon, predicted to cause a truncation of the encoded protein or absence of the protein due to nonsense mediated decay, which are commonly known mechanisms for disease. The variant was absent in 250294 control chromosomes. c.457A>T has been observed in individual(s) affected with Mucopolysaccharidosis Type (example: Clarke_2019). These data indicate that the variant may be associated with disease. The following publication has been ascertained in the context of this evaluation (PMID: 31194252). ClinVar contains an entry for this variant (Variation ID: 917689). Based on the evidence outlined above, the variant was classified as pathogenic.

Revvity Omics, Revvity
Classification: Pathogenic. Last evaluated: 2024-02-07. Review status: criteria provided, single submitter. Criteria: ACMG Guidelines, 2015. Collection method: clinical testing. Allele origin: germline. Not counted in ClinVar's aggregate classification.

Labcorp Genetics (formerly Invitae), Labcorp
Classification: Pathogenic for Mucopolysaccharidosis type 1. Last evaluated: 2022-09-22. Review status: criteria provided, single submitter. Criteria: Invitae Variant Classification Sherloc (09022015). Collection method: clinical testing. Allele origin: germline. Not counted in ClinVar's aggregate classification.
Comment: ClinVar contains an entry for this variant (Variation ID: 917689). This premature translational stop signal has been observed in individual(s) with mucopolysaccharidosis type I (PMID: 31194252). This variant is not present in population databases (gnomAD no frequency). This sequence change creates a premature translational stop signal (p.Lys153*) in the IDUA gene. It is expected to result in an absent or disrupted protein product. Loss-of-function variants in IDUA are known to be pathogenic (PMID: 11735025, 21480867). Algorithms developed to predict the effect of sequence changes on RNA splicing suggest that this variant may disrupt the consensus splice site. For these reasons, this variant has been classified as Pathogenic.

Literature cited by the submitters: PubMed 31194252 (cited by Women's Health and Genetics/Laboratory Corporation of America, LabCorp and Labcorp Genetics (formerly Invitae), Labcorp); PubMed 11735025 (cited by Labcorp Genetics (formerly Invitae), Labcorp); PubMed 21480867 (cited by Labcorp Genetics (formerly Invitae), Labcorp).